The following is an entry in ClinVar:

ClinVar aggregate classification (germline): Uncertain significance (1 of 4 stars; one submission).

Conditions:
Hereditary cancer-predisposing syndrome. Also called: Neoplastic Syndromes, Hereditary; Tumor predisposition; Hereditary neoplastic syndrome; Hereditary Cancer Syndrome. Identifiers: Orphanet 140162, MedGen C0027672, MeSH D009386, MONDO:0015356.

Submission:

Ambry Genetics
Classification: Uncertain significance for Hereditary cancer-predisposing syndrome. Last evaluated: 2026-07-02. Review status: criteria provided, single submitter. Criteria: Ambry Variant Classification Scheme 2023. Collection method: clinical testing. Allele origin: germline.
Comment: The p.A361G variant (also known as c.1082C>G), located in coding exon 8 of the CDH1 gene, results from a C to G substitution at nucleotide position 1082. The alanine at codon 361 is replaced by glycine, an amino acid with similar properties. This amino acid position is conserved. In addition, the in silico prediction for this alteration is inconclusive. Based on the available evidence, the clinical significance of this variant remains unclear.

NM_004360.5(CDH1):c.1082C>G (p.Ala361Gly)

Gene: CDH1 (cadherin 1; plus strand). Cytogenetic location: 16q22.1.
Variant type: single nucleotide variant.
Coding change: c.1082C>G on transcript NM_004360.5 (MANE Select); coding-DNA position 1082, C replaced by G.
Protein change: p.Ala361Gly; replaces alanine 361 with glycine.
Molecular consequence: missense variant. On other transcripts: 5 prime UTR variant (2).
Genome position (GRCh38, 1-based): chr16:68,812,208, C>G. VCF-style: chr16-68812208-C-G. GRCh37 (hg19) VCF-style: chr16-68846111-C-G.
Other names: c.1082C>G, p.Ala361Gly (NM_001317184.2); c.-534C>G (NM_001317185.2); c.-738C>G (NM_001317186.2); short protein forms A361G.
Identifiers: ClinVar variation 5033884 (VCV005033884.1).
Genomic context (GRCh38, chr16:68,812,208, plus strand): 5'-ATACCCTGGTGGTTCAAGCTGCTGACCTTCAAGGTGAGGGGTTAAGCACAACAGCAACAG[C>G]TGTGATCACAGTCACTGACACCAACGATAATCCTCCGATCTTCAATCCCACCACGGTAAT-3'
Protein context (NP_004351.1, residues 351-371): QGEGLSTTAT[Ala361Gly]VITVTDTNDN